The following is an entry in ClinVar:

ClinVar aggregate classification (germline): Uncertain significance (1 of 4 stars; one submission).

Conditions:
Loeys-Dietz syndrome 2 (LDS2). Also called: TGFBR2-Related Loeys-Dietz Syndrome; MARFAN SYNDROME, TYPE II; AORTIC ANEURYSM, FAMILIAL THORACIC 3; Marfan Syndrome type 2; Marfan like connective tissue disorder; MFS 2. Identifiers: Orphanet 284973, Orphanet 558, MedGen C2674574, MONDO:0012427, OMIM 610168.

Allele frequency attached by ClinVar (database versions not stated): gnomAD exomes below 0.00001.
gnomAD v4.1: 1 of 1,613,938 alleles (0.000062%); highest among the groups gnomAD compares: Non-Finnish European, 0.000085%; no homozygotes.

Submission:

Labcorp Genetics (formerly Invitae), Labcorp
Classification: Uncertain significance for Loeys-Dietz syndrome 2. Last evaluated: 2025-11-17. Review status: criteria provided, single submitter. Criteria: Invitae Variant Classification Sherloc (09022015). Collection method: clinical testing. Allele origin: germline.
Comment: This sequence change replaces alanine, which is neutral and non-polar, with threonine, which is neutral and polar, at codon 625 of the TMPO protein (p.Ala625Thr). This variant is not present in population databases (gnomAD no frequency). This variant has not been reported in the literature in individuals affected with TMPO-related conditions. ClinVar contains an entry for this variant (Variation ID: 2999707). Invitae Evidence Modeling of protein sequence and biophysical properties (such as structural, functional, and spatial information, amino acid conservation, physicochemical variation, residue mobility, and thermodynamic stability) indicates that this missense variant is not expected to disrupt TMPO protein function with a negative predictive value of 80%. In summary, the available evidence is currently insufficient to determine the role of this variant in disease. Therefore, it has been classified as a Variant of Uncertain Significance.

NM_001032283.3(TMPO):c.565+2292G>A

Gene: TMPO (thymopoietin; plus strand). Cytogenetic location: 12q23.1.
Variant type: single nucleotide variant.
Coding change: c.565+2292G>A on transcript NM_001032283.3 (MANE Select); 2292 bases into the intron after coding-DNA position 565, G replaced by A.
Molecular consequence: intron variant. On other transcripts: missense variant (1).
Genome position (GRCh38, 1-based): chr12:98,534,130, G>A. VCF-style: chr12-98534130-G-A. GRCh37 (hg19) VCF-style: chr12-98927908-G-A.
Other names: c.565+2292G>A (NM_001307975.2, NM_001032284.3); c.1873G>A, p.Ala625Thr (NM_003276.2); short protein forms A625T.
Identifiers: ClinVar variation 2999707 (VCV002999707.3), dbSNP rs1877414127, ClinGen allele CA386154114.